The following is an entry in ClinVar:

ClinVar aggregate classification (germline): Conflicting classifications of pathogenicity. Review status: criteria provided, conflicting classifications (1 of 4 stars). 3 submissions from 3 submitters: Likely pathogenic (1); Uncertain significance (2). Last evaluated 2025-08-12.

Conditions:
Intellectual developmental disorder, autosomal dominant 71, with behavioral abnormalities (MRD71). Identifiers: MedGen C5830437, MONDO:0957228, OMIM 620330.

Submissions (3):

GeneDx
Classification: Uncertain significance. Last evaluated: 2025-08-12. Review status: criteria provided, single submitter. Criteria: GeneDx Variant Classification Process June 2021. Collection method: clinical testing. Allele origin: germline. Affected: yes.
Comment: Not observed at significant frequency in large population cohorts (gnomAD); In silico analysis suggests that this missense variant does not alter protein structure/function; This variant is associated with the following publications: (PMID: 33658631)

3billion
Classification: Likely pathogenic for Intellectual developmental disorder, autosomal dominant 71, with behavioral abnormalities. Last evaluated: 2024-11-21. Review status: criteria provided, single submitter. Criteria: ACMG Guidelines, 2015. Collection method: clinical testing. Allele origin: germline. Affected: yes.
Comment: The variant is observed at an extremely low frequency in the gnomAD v4.1.0 dataset (total allele frequency: <0.001%). Predicted Consequence/Location: Missense variant In silico tool predictions suggest damaging effect of the variant on gene or gene product [REVEL: 0.17 (>=0.6, sensitivity 0.68 and specificity 0.92); 3Cnet: 0.97 (>=0.6, sensitivity 0.72 and precision 0.9)]. The same nucleotide change resulting in the same amino acid change has been previously reported to be associated with RFX7 related disorder (PMID: 33658631). The variant has been previously reported as de novo in a similarly affected individual (PMID: 33658631). Therefore, this variant is classified as Likely pathogenic according to the recommendation of ACMG/AMP guideline.

Labcorp Genetics (formerly Invitae), Labcorp
Classification: Uncertain significance. Last evaluated: 2024-03-16. Review status: criteria provided, single submitter. Criteria: Invitae Variant Classification Sherloc (09022015). Collection method: clinical testing. Allele origin: germline.
Comment: This sequence change replaces isoleucine, which is neutral and non-polar, with valine, which is neutral and non-polar, at codon 1029 of the RFX7 protein (p.Ile1029Val). This variant is not present in population databases (gnomAD no frequency). This missense change has been observed in individual(s) with RFX7-related conditions (PMID: 33658631). In at least one individual the variant was observed to be de novo. Experimental studies and prediction algorithms are not available or were not evaluated, and the functional significance of this variant is currently unknown. In summary, the available evidence is currently insufficient to determine the role of this variant in disease. Therefore, it has been classified as a Variant of Uncertain Significance.

Literature cited by the submitters: PubMed 33658631 (cited by 3billion and Labcorp Genetics (formerly Invitae), Labcorp).

NM_022841.7(RFX7):c.3085A>G (p.Ile1029Val)

Gene: RFX7 (regulatory factor X7; minus strand). Cytogenetic location: 15q21.3.
Variant type: single nucleotide variant.
Coding change: c.3085A>G on transcript NM_022841.7 (MANE Select); coding-DNA position 3085, A replaced by G.
Protein change: p.Ile1029Val; replaces isoleucine 1029 with valine.
Molecular consequence: missense variant.
Genome position (GRCh38, 1-based): chr15:56,094,643, T>C on the plus strand (A>G on the coding strand, the complement: RFX7 is on the minus strand). VCF-style: chr15-56094643-T-C. GRCh37 (hg19) VCF-style: chr15-56386841-T-C.
Other names: c.2794A>G, p.Ile932Val (NM_001368073.2, NM_001368074.1, NM_001370554.1); c.3085A>G, p.Ile1029Val (NM_001370561.1); c.3085A>G (NM_022841.5); short protein forms I1029V, I932V.
Identifiers: ClinVar variation 3677129 (VCV003677129.3).